The following is an entry in ClinVar:

ClinVar aggregate classification (germline): Uncertain significance. Review status: criteria provided, multiple submitters, no conflicts (2 of 4 stars). 2 submissions from 2 submitters: Uncertain significance (2). Last evaluated 2023-10-16.

Conditions:
Hereditary nonpolyposis colorectal neoplasms. Identifiers: MedGen C0009405, MeSH D003123.
Hereditary cancer-predisposing syndrome. Also called: Hereditary Cancer Syndrome; Hereditary neoplastic syndrome; Tumor predisposition; Neoplastic Syndromes, Hereditary. Identifiers: Orphanet 140162, MedGen C0027672, MeSH D009386, MONDO:0015356.

Submissions (2):

Labcorp Genetics (formerly Invitae), Labcorp
Classification: Uncertain significance for Hereditary nonpolyposis colorectal neoplasms. Last evaluated: 2023-10-16. Review status: criteria provided, single submitter. Criteria: Invitae Variant Classification Sherloc (09022015). Collection method: clinical testing. Allele origin: germline.
Comment: This sequence change replaces glutamic acid, which is acidic and polar, with lysine, which is basic and polar, at codon 810 of the MSH6 protein (p.Glu810Lys). This variant is not present in population databases (gnomAD no frequency). This variant has not been reported in the literature in individuals affected with MSH6-related conditions. ClinVar contains an entry for this variant (Variation ID: 1791117). Advanced modeling of protein sequence and biophysical properties (such as structural, functional, and spatial information, amino acid conservation, physicochemical variation, residue mobility, and thermodynamic stability) performed at Invitae indicates that this missense variant is not expected to disrupt MSH6 protein function. In summary, the available evidence is currently insufficient to determine the role of this variant in disease. Therefore, it has been classified as a Variant of Uncertain Significance.

Ambry Genetics
Classification: Uncertain significance for Hereditary cancer-predisposing syndrome. Last evaluated: 2020-08-07. Review status: criteria provided, single submitter. Criteria: Ambry Variant Classification Scheme 2023. Collection method: clinical testing. Allele origin: germline.
Comment: The p.E810K variant (also known as c.2428G>A), located in coding exon 4 of the MSH6 gene, results from a G to A substitution at nucleotide position 2428. The glutamic acid at codon 810 is replaced by lysine, an amino acid with similar properties. This amino acid position is poorly conserved in available vertebrate species. In addition, the in silico prediction for this alteration is inconclusive. Since supporting evidence is limited at this time, the clinical significance of this alteration remains unclear.

NM_000179.3(MSH6):c.2428G>A (p.Glu810Lys)

Gene: MSH6 (mutS homolog 6; plus strand). Cytogenetic location: 2p16.3.
Variant type: single nucleotide variant.
Coding change: c.2428G>A on transcript NM_000179.3 (MANE Select); coding-DNA position 2428, G replaced by A.
Protein change: p.Glu810Lys; replaces glutamic acid 810 with lysine.
Molecular consequence: missense variant.
Genome position (GRCh38, 1-based): chr2:47,800,411, G>A. VCF-style: chr2-47800411-G-A. GRCh37 (hg19) VCF-style: chr2-48027550-G-A.
Other names: c.2038G>A, p.Glu680Lys (NM_001281492.2); c.1522G>A, p.Glu508Lys (NM_001281493.2, NM_001281494.2, NM_001406811.1 and 6 more transcripts); c.2524G>A, p.Glu842Lys (NM_001406795.1, NM_001406802.1); c.2428G>A, p.Glu810Lys (NM_001406796.1, NM_001406798.1, NM_001406800.1 and 2 more transcripts); c.2131G>A, p.Glu711Lys (NM_001406797.1, NM_001406801.1, NM_001406805.1 and 10 more transcripts); c.1903G>A, p.Glu635Lys (NM_001406799.1, NM_001406806.1, NM_001406807.1); c.2350G>A, p.Glu784Lys (NM_001406804.1); c.2434G>A, p.Glu812Lys (NM_001406813.1); and 1 more; short protein forms E812K, E635K, E711K, E508K, E810K, E842K, E680K, E754K.
Identifiers: ClinVar variation 1791117 (VCV001791117.4), dbSNP rs763248984, ClinGen allele CA346754024.